The following is an entry in ClinVar:

ClinVar aggregate classification (germline): Uncertain significance. Review status: criteria provided, multiple submitters, no conflicts (2 of 4 stars). 3 submissions from 3 submitters: Uncertain significance (3). Last evaluated 2025-08-01.

Submissions (3):

CeGaT Center for Human Genetics Tuebingen
Classification: Uncertain significance. Last evaluated: 2025-08-01. Review status: criteria provided, single submitter. Criteria: CeGaT Center For Human Genetics Tuebingen Variant Classification Criteria Version 2. Collection method: clinical testing. Allele origin: germline. Affected: yes. Observed: 1 variant allele.
Comment: DNAJC5: PM2

GeneDx
Classification: Uncertain significance. Last evaluated: 2024-10-15. Review status: criteria provided, single submitter. Criteria: GeneDx Variant Classification Process June 2021. Collection method: clinical testing. Allele origin: germline.
Comment: Not observed at significant frequency in large population cohorts (gnomAD); In-frame insertion of 9 amino acids in a non-repeat region; Has not been previously published as pathogenic or benign to our knowledge

Mayo Clinic Laboratories, Mayo Clinic
Classification: Uncertain significance. Last evaluated: 2024-10-11. Review status: criteria provided, single submitter. Criteria: ACMG Guidelines, 2015. Collection method: clinical testing. Allele origin: germline. Observed: 1 variant allele.
Comment: PP4, PM2_supporting, PM4

NM_025219.3(DNAJC5):c.372_398dup (p.Cys133_Gly134insLeuCysCysCysPheAsnCysCysCys)

Gene: DNAJC5 (DnaJ heat shock protein family (Hsp40) member C5; plus strand). Cytogenetic location: 20q13.33.
Variant type: Duplication.
Coding change: c.372_398dup on transcript NM_025219.3 (MANE Select); coding-DNA positions 372 to 398, 27 bases duplicated (TCTGTGCTGCTGCTTCAACTGCTGCTG).
Protein change: p.Cys133_Gly134insLeuCysCysCysPheAsnCysCysCys.
Molecular consequence: inframe insertion.
Genome position (GRCh38, 1-based): chr20:63,930,901-63,930,927, TCTGTGCTGCTGCTTCAACTGCTGCTG duplicated; duplicating any 27 consecutive bases within chr20:63,930,892-63,930,927 gives the same sequence; the c. name uses the placement nearest the transcript's 3' end. VCF-style (leftmost placement, unchanged base first): chr20-63930891-G-GCTGCTGCTGTCTGTGCTGCTGCTTCAA. GRCh37 (hg19) VCF-style: chr20-62562244-G-GCTGCTGCTGTCTGTGCTGCTGCTTCAA.
Other names: p.Leu125_Cys133dup.
Identifiers: ClinVar variation 1699578 (VCV001699578.11), dbSNP rs777445507, ClinGen allele CA2580098531.